The following is an entry in ClinVar:

NM_021020.5(LZTS1):c.773C>T (p.Thr258Met)

Gene: LZTS1 (leucine zipper tumor suppressor 1; minus strand). Cytogenetic location: 8p21.3.
Variant type: single nucleotide variant.
Coding change: c.773C>T on transcript NM_021020.5 (MANE Select); coding-DNA position 773, C replaced by T.
Protein change: p.Thr258Met; replaces threonine 258 with methionine.
Molecular consequence: missense variant.
Genome position (GRCh38, 1-based): chr8:20,253,158, G>A on the plus strand (C>T on the coding strand, the complement: LZTS1 is on the minus strand). VCF-style: chr8-20253158-G-A. GRCh37 (hg19) VCF-style: chr8-20110669-G-A.
Other names: c.773C>T, p.Thr258Met (NM_001362884.2); short protein forms T258M.
Identifiers: ClinVar variation 2902151 (VCV002902151.3), dbSNP rs757923754, ClinGen allele CA4657451.

ClinVar aggregate classification (germline): Uncertain significance (1 of 4 stars; one submission).

Allele frequency attached by ClinVar (database versions not stated): gnomAD 0.00002; TOPMed 0.00001; gnomAD exomes 0.00005; ExAC 0.00005.
gnomAD v4.1: 74 of 1,613,244 alleles (0.0046%); highest among the groups gnomAD compares: East Asian, 0.15%; no homozygotes.

Submission:

Labcorp Genetics (formerly Invitae), Labcorp
Classification: Uncertain significance. Last evaluated: 2025-09-24. Review status: criteria provided, single submitter. Criteria: Invitae Variant Classification Sherloc (09022015). Collection method: clinical testing. Allele origin: germline.
Comment: This sequence change replaces threonine, which is neutral and polar, with methionine, which is neutral and non-polar, at codon 258 of the LZTS1 protein (p.Thr258Met). This variant is present in population databases (rs757923754, gnomAD 0.05%), and has an allele count higher than expected for a pathogenic variant. This variant has not been reported in the literature in individuals affected with LZTS1-related conditions. ClinVar contains an entry for this variant (Variation ID: 2902151). Invitae Evidence Modeling of protein sequence and biophysical properties (such as structural, functional, and spatial information, amino acid conservation, physicochemical variation, residue mobility, and thermodynamic stability) indicates that this missense variant is not expected to disrupt LZTS1 protein function with a negative predictive value of 80%. In summary, the available evidence is currently insufficient to determine the role of this variant in disease. Therefore, it has been classified as a Variant of Uncertain Significance.